The following is an entry in ClinVar:

ClinVar aggregate classification (germline): Uncertain significance. Review status: criteria provided, multiple submitters, no conflicts (2 of 4 stars). 3 submissions from 3 submitters: Uncertain significance (3). Last evaluated 2024-12-03.

Conditions:
Martsolf syndrome (MARTS). Also called: Congenital cataract with intellectual disability and hypogonadotropic hypogonadism syndrome. Identifiers: Orphanet 1387, MedGen C0796037, MONDO:0023910.
Warburg micro syndrome 2 (WARBM2). Also called: MICRO SYNDROME 2. Identifiers: Orphanet 2510, MedGen C3280214, MONDO:0013641, OMIM 614225.

Allele frequency attached by ClinVar (database versions not stated): TOPMed 0.00001; gnomAD 0.00005; gnomAD exomes 0.00007; ExAC 0.00008.
gnomAD v4.1: 103 of 1,595,202 alleles (0.0065%); highest among the groups gnomAD compares: South Asian, 0.053%; 1 homozygote.

Submissions (3):

Labcorp Genetics (formerly Invitae), Labcorp
Classification: Uncertain significance for Martsolf syndrome; Warburg micro syndrome 2. Last evaluated: 2024-12-03. Review status: criteria provided, single submitter. Criteria: Invitae Variant Classification Sherloc (09022015). Collection method: clinical testing. Allele origin: germline.
Comment: This sequence change replaces threonine, which is neutral and polar, with methionine, which is neutral and non-polar, at codon 1060 of the RAB3GAP2 protein (p.Thr1060Met). This variant is present in population databases (rs775475466, gnomAD 0.05%). This variant has not been reported in the literature in individuals affected with RAB3GAP2-related conditions. ClinVar contains an entry for this variant (Variation ID: 1805539). Invitae Evidence Modeling of protein sequence and biophysical properties (such as structural, functional, and spatial information, amino acid conservation, physicochemical variation, residue mobility, and thermodynamic stability) indicates that this missense variant is not expected to disrupt RAB3GAP2 protein function with a negative predictive value of 80%. In summary, the available evidence is currently insufficient to determine the role of this variant in disease. Therefore, it has been classified as a Variant of Uncertain Significance.

Blueprint Genetics
Classification: Uncertain significance. Last evaluated: 2024-04-24. Review status: criteria provided, single submitter. Criteria: ACMG Guidelines, 2015. Collection method: clinical testing. Allele origin: germline.

Victorian Clinical Genetics Services, Murdoch Childrens Research Institute
Classification: Uncertain significance for Warburg micro syndrome 2. Last evaluated: 2020-05-21. Review status: criteria provided, single submitter. Criteria: ACMG Guidelines, 2015. Collection method: clinical testing. Allele origin: germline. Inheritance: Autosomal recessive inheritance.
Comment: A heterozygous missense variant was identified, NM_012414.3(RAB3GAP2):c.3179C>T in exon 28 of 35 of the RAB3GAP2 gene. This substitution is predicted to create a moderate amino acid change from a threonine to a methionine at position 1060 of the protein; NP_036546.2(RAB3GAP2):p.(Thr1060Met). The threonine at this position has very high conservation (100 vertebrates, UCSC), and is located within the RAB3GAP2 C-terminus domain (PDB, NCBI, Uniprot). In silico software predictions of the pathogenicity of this variant are conflicting (Polyphen, SIFT, CADD, Mutation Taster). The variant is present at a global population frequency of 0.007% (21 heterozygotes, 0 homozygotes) with a South Asian sub-population frequency of 0.06%. This variant has not previously been reported in clinical cases. Based on information available at the time of curation, this variant has been classified as a VUS.

NM_012414.4(RAB3GAP2):c.3179C>T (p.Thr1060Met)

Gene: RAB3GAP2 (RAB3 GTPase activating non-catalytic protein subunit 2; minus strand). Cytogenetic location: 1q41.
Variant type: single nucleotide variant.
Coding change: c.3179C>T on transcript NM_012414.4 (MANE Select); coding-DNA position 3179, C replaced by T.
Protein change: p.Thr1060Met; replaces threonine 1060 with methionine.
Molecular consequence: missense variant.
Genome position (GRCh38, 1-based): chr1:220,162,244, G>A on the plus strand (C>T on the coding strand, the complement: RAB3GAP2 is on the minus strand). VCF-style: chr1-220162244-G-A. GRCh37 (hg19) VCF-style: chr1-220335586-G-A.
Other names: short protein forms T1060M.
Identifiers: ClinVar variation 1805539 (VCV001805539.6), dbSNP rs775475466, ClinGen allele CA1402210.